The following is an entry in ClinVar:

NM_001079872.2(CUL4B):c.1596G>A (p.Thr532=)

Gene: CUL4B (cullin 4B; minus strand). Cytogenetic location: Xq24.
Variant type: single nucleotide variant.
Coding change: c.1596G>A on transcript NM_001079872.2 (MANE Select); coding-DNA position 1596, G replaced by A.
Protein change: p.Thr532=; no amino-acid change (threonine 532 retained).
Molecular consequence: synonymous variant.
Genome position (GRCh38, 1-based): chrX:120,540,410, C>T on the plus strand (G>A on the coding strand, the complement: CUL4B is on the minus strand). VCF-style: chrX-120540410-C-T. GRCh37 (hg19) VCF-style: chrX-119674265-C-T.
Other names: c.1611G>A, p.Thr537= (NM_001330624.2); c.1062G>A, p.Thr354= (NM_001369145.1); c.1650G>A, p.Thr550= (NM_003588.4).
Identifiers: ClinVar variation 3356033 (VCV003356033.1).
Genomic context (GRCh38, chrX:120,540,410, plus strand): 5'-AAAAGGACTGGAAAACATACCTATAAGTTCAGCTGGTTTATTTGGTCTTTTGTTAATGAA[C>T]GTTTCAAATGCTTCTTTCATGGCATTGATAAATTTCTCATTCTTCAGAAAGCAGATATCA-3'
Protein context (NP_001073341.1, residues 522-542): FINAMKEAFE[Thr532=]FINKRPNKPA

ClinVar aggregate classification (germline): Likely benign (0 of 4 stars; one submission).

Conditions:
CUL4B-related disorder. Also called: CUL4B-related condition.

gnomAD v4.1: 4 of 1,209,939 alleles (0.00033%); highest among the groups gnomAD compares: South Asian, 0.0018%; no homozygotes.

Submission:

PreventionGenetics, part of Exact Sciences
Classification: Likely benign for CUL4B-related condition. Last evaluated: 2023-06-01. Review status: no assertion criteria provided. Collection method: clinical testing. Allele origin: germline.
Comment: This variant is classified as likely benign based on ACMG/AMP sequence variant interpretation guidelines (Richards et al. 2015 PMID: 25741868, with internal and published modifications).